The following is an entry in ClinVar:

NM_017999.5(RNF31):c.775C>T (p.Pro259Ser)

Gene: RNF31 (ring finger protein 31; plus strand). Cytogenetic location: 14q12.
Variant type: single nucleotide variant.
Coding change: c.775C>T on transcript NM_017999.5 (MANE Select); coding-DNA position 775, C replaced by T.
Protein change: p.Pro259Ser; replaces proline 259 with serine.
Molecular consequence: missense variant.
Genome position (GRCh38, 1-based): chr14:24,149,549, C>T. VCF-style: chr14-24149549-C-T. GRCh37 (hg19) VCF-style: chr14-24618758-C-T.
Other names: c.322C>T, p.Pro108Ser (NM_001310332.2); short protein forms P108S, P259S.
Identifiers: ClinVar variation 4774815 (VCV004774815.1).

ClinVar aggregate classification (germline): Uncertain significance (1 of 4 stars; one submission).

gnomAD v4.1: 2 of 1,614,090 alleles (0.00012%); highest among the groups gnomAD compares: Non-Finnish European, 0.00017%; no homozygotes.

Submission:

Labcorp Genetics (formerly Invitae), Labcorp
Classification: Uncertain significance. Last evaluated: 2025-09-15. Review status: criteria provided, single submitter. Criteria: Invitae Variant Classification Sherloc (09022015). Collection method: clinical testing. Allele origin: germline.
Comment: This sequence change replaces proline, which is neutral and non-polar, with serine, which is neutral and polar, at codon 259 of the RNF31 protein (p.Pro259Ser). This variant is present in population databases (rs752873718, gnomAD 0.002%). This variant has not been reported in the literature in individuals affected with RNF31-related conditions. An algorithm developed to predict the effect of missense changes on protein structure and function outputs the following: PolyPhen-2: "Benign". The serine amino acid residue is found in multiple mammalian species, which suggests that this missense change does not adversely affect protein function. In summary, the available evidence is currently insufficient to determine the role of this variant in disease. Therefore, it has been classified as a Variant of Uncertain Significance.